The following is an entry in ClinVar:

NM_003482.4(KMT2D):c.4000T>G (p.Ser1334Ala)

Genes: KMT2D (lysine methyltransferase 2D; minus strand), LOC126861520 (CDK7 strongly-dependent group 2 enhancer GRCh37_chr12:49442744-49443943; plus strand). Cytogenetic location: 12q13.12.
Variant type: single nucleotide variant.
Coding change: c.4000T>G on transcript NM_003482.4 (MANE Select); coding-DNA position 4000, T replaced by G.
Protein change: p.Ser1334Ala; replaces serine 1334 with alanine.
Molecular consequence: missense variant.
Genome position (GRCh38, 1-based): chr12:49,049,125, A>C on the plus strand (T>G on the coding strand, the complement: KMT2D is on the minus strand). VCF-style: chr12-49049125-A-C. GRCh37 (hg19) VCF-style: chr12-49442908-A-C.
Other names: short protein forms S1334A.
Identifiers: ClinVar variation 1348234 (VCV001348234.10), dbSNP rs750081274, ClinGen allele CA6547929.

ClinVar aggregate classification (germline): Conflicting classifications of pathogenicity. Review status: criteria provided, conflicting classifications (1 of 4 stars). 2 submissions from 2 submitters: Uncertain significance (1); Benign (1). Last evaluated 2025-08-20.

Conditions:
KMT2D-related disorder. Also called: KMT2D-Related Disorders.
Kabuki syndrome. Also called: NIIKAWA-KUROKI SYNDROME; Kabuki make-up syndrome. Identifiers: Orphanet 2322, MedGen C0796004, MONDO:0016512.

Allele frequency attached by ClinVar (database versions not stated): ExAC 0.00001; gnomAD exomes 0.00001 and 0.00003; TOPMed 0.00001; gnomAD 0.00002.
gnomAD v4.1: 18 of 1,609,654 alleles (0.0011%); highest among the groups gnomAD compares: Middle Eastern, 0.016%; no homozygotes.

Submissions (2):

Labcorp Genetics (formerly Invitae), Labcorp
Classification: Benign for Kabuki syndrome. Last evaluated: 2025-08-20. Review status: criteria provided, single submitter. Criteria: Invitae Variant Classification Sherloc (09022015). Collection method: clinical testing. Allele origin: germline.

PreventionGenetics, part of Exact Sciences
Classification: Uncertain significance for KMT2D-related condition. Last evaluated: 2025-01-14. Review status: criteria provided, single submitter. Criteria: ACMG Guidelines, 2015. Collection method: clinical testing. Allele origin: germline.
Comment: The KMT2D c.4000T>G variant is predicted to result in the amino acid substitution p.Ser1334Ala. To our knowledge, this variant has not been reported in the literature. This variant is reported in 0.015% of alleles in individuals of Latino descent in gnomAD. Although we suspect that this variant may be benign, at this time, the clinical significance of this variant is uncertain due to the absence of conclusive functional and genetic evidence.